The following is an entry in ClinVar:

NM_000238.4(KCNH2):c.3464C>T (p.Ser1155Leu)

Gene: KCNH2 (potassium voltage-gated channel subfamily H member 2; minus strand). Cytogenetic location: 7q36.1.
Variant type: single nucleotide variant.
Coding change: c.3464C>T on transcript NM_000238.4 (MANE Select); coding-DNA position 3464, C replaced by T.
Protein change: p.Ser1155Leu; replaces serine 1155 with leucine.
Molecular consequence: missense variant.
Genome position (GRCh38, 1-based): chr7:150,945,381, G>A on the plus strand (C>T on the coding strand, the complement: KCNH2 is on the minus strand). VCF-style: chr7-150945381-G-A. GRCh37 (hg19) VCF-style: chr7-150642469-G-A.
Other names: c.2444C>T, p.Ser815Leu (NM_172057.3); short protein forms S815L, S1155L.
Identifiers: ClinVar variation 580441 (VCV000580441.10), dbSNP rs867402580, ClinGen allele CA169070309.

ClinVar aggregate classification (germline): Uncertain significance. Review status: criteria provided, multiple submitters, no conflicts (2 of 4 stars). 2 submissions from 2 submitters: Uncertain significance (2). Last evaluated 2024-06-11.

Conditions:
Long QT syndrome (LQTS). Identifiers: MedGen C0023976, MeSH D008133, MONDO:0002442. Disease mechanism: loss of function. Inheritance: Various modes of inheritance.

Allele frequency attached by ClinVar (database versions not stated): gnomAD exomes below 0.00001; TOPMed 0.00001; gnomAD 0.00002.
gnomAD v4.1: 20 of 1,590,830 alleles (0.0013%); highest among the groups gnomAD compares: African/African-American, 0.004%; no homozygotes.

Submissions (2):

All of Us Research Program, National Institutes of Health
Classification: Uncertain significance for Long QT syndrome. Last evaluated: 2024-06-11. Review status: criteria provided, single submitter. Criteria: ACMG Guidelines, 2015. Collection method: clinical testing. Allele origin: germline. Inheritance: Autosomal dominant inheritance. Observed: 2 variant alleles, 2 heterozygotes.
Comment: This study involves interpretation of variants in research participants for the purpose of population health screening. Participant phenotype was not available at the time of variant classification. Additional details can be found in publication PMID: 35346344, PMCID: PMC8962531

Labcorp Genetics (formerly Invitae), Labcorp
Classification: Uncertain significance for Long QT syndrome. Last evaluated: 2023-11-25. Review status: criteria provided, single submitter. Criteria: Invitae Variant Classification Sherloc (09022015). Collection method: clinical testing. Allele origin: germline.
Comment: This sequence change replaces serine, which is neutral and polar, with leucine, which is neutral and non-polar, at codon 1155 of the KCNH2 protein (p.Ser1155Leu). This variant is not present in population databases (gnomAD no frequency). This variant has not been reported in the literature in individuals affected with KCNH2-related conditions. ClinVar contains an entry for this variant (Variation ID: 580441). An algorithm developed to predict the effect of missense changes on protein structure and function (PolyPhen-2) suggests that this variant is likely to be disruptive. In summary, the available evidence is currently insufficient to determine the role of this variant in disease. Therefore, it has been classified as a Variant of Uncertain Significance.